The following is an entry in ClinVar:

ClinVar aggregate classification (germline): Pathogenic (1 of 4 stars; one submission).

Conditions:
Ehlers-Danlos syndrome, musculocontractural type (EDSMC). Also called: Adducted thumb, clubfoot, progressive joint and skin laxity syndrome; DUNDAR SYNDROME; ARTHROGRYPOSIS, DISTAL, WITH PECULIAR FACIES AND HYDRONEPHROSIS; ADDUCTED THUMB-CLUBFOOT SYNDROME. Identifiers: Orphanet 2953, MedGen C1866294, MONDO:0011142.

Submission:

Labcorp Genetics (formerly Invitae), Labcorp
Classification: Pathogenic for Ehlers-Danlos syndrome, musculocontractural type. Last evaluated: 2024-04-30. Review status: criteria provided, single submitter. Criteria: Invitae Variant Classification Sherloc (09022015). Collection method: clinical testing. Allele origin: germline.
Comment: This sequence change creates a premature translational stop signal (p.Ala30Profs*16) in the CHST14 gene. While this is not anticipated to result in nonsense mediated decay, it is expected to disrupt the last 347 amino acid(s) of the CHST14 protein. This variant is not present in population databases (gnomAD no frequency). This variant has not been reported in the literature in individuals affected with CHST14-related conditions. This variant disrupts a region of the CHST14 protein in which other variant(s) (p.Tyr293Cys) have been determined to be pathogenic (PMID: 10766984, 20004762, 20533528, 21744491). This suggests that this is a clinically significant region of the protein, and that variants that disrupt it are likely to be disease-causing. For these reasons, this variant has been classified as Pathogenic.

Literature cited by the submitters: PubMed 10766984; PubMed 20004762; PubMed 20533528; PubMed 21744491.

NM_130468.4(CHST14):c.88del (p.Ala30fs)

Genes: CHST14 (carbohydrate sulfotransferase 14; plus strand), LOC130056851 (ATAC-STARR-seq lymphoblastoid silent region 6336; plus strand). Cytogenetic location: 15q15.1.
Variant type: Deletion.
Coding change: c.88del on transcript NM_130468.4 (MANE Select); coding-DNA position 88, one base deleted (G; older notation c.88delG).
Protein change: p.Ala30fs; shifts the reading frame from alanine 30.
Molecular consequence: frameshift variant.
Genome position (GRCh38, 1-based): chr15:40,471,301, G deleted; the last of 3 consecutive G bases (chr15:40,471,299-40,471,301); deleting any one gives the same sequence. VCF-style (leftmost placement, unchanged base first): chr15-40471298-AG-A. GRCh37 (hg19) VCF-style: chr15-40763497-AG-A.
Other names: short protein forms A30fs.
Identifiers: ClinVar variation 3631461 (VCV003631461.2).
Genomic context (GRCh38, chr15:40,471,298, plus strand): 5'-CTGGCGGCCCCAAATGGCGCCGAGCCCCTGGGCCGGGCGCTGAGGCGGGCCCCTCTGGGC[AG>A]GGCCCGGGCGGGGCTGGGTGGGCCGCCCCTGCTGCTGCCGTCCATGCTGATGTTTGCGGT-3'